The following is an entry in ClinVar:

NM_172107.4(KCNQ2):c.2232G>A (p.Pro744=)

Gene: KCNQ2 (potassium voltage-gated channel subfamily Q member 2; minus strand). Cytogenetic location: 20q13.33.
Variant type: single nucleotide variant.
Coding change: c.2232G>A on transcript NM_172107.4 (MANE Select); coding-DNA position 2232, G replaced by A.
Protein change: p.Pro744=; no amino-acid change (proline 744 retained).
Molecular consequence: synonymous variant.
Genome position (GRCh38, 1-based): chr20:63,407,031, C>T on the plus strand (G>A on the coding strand, the complement: KCNQ2 is on the minus strand). VCF-style: chr20-63407031-C-T. GRCh37 (hg19) VCF-style: chr20-62038384-C-T.
Other names: c.2148G>A, p.Pro716= (NM_004518.6); c.2178G>A, p.Pro726= (NM_172106.3); c.2139G>A, p.Pro713= (NM_172108.5).
Identifiers: ClinVar variation 381776 (VCV000381776.24), dbSNP rs547655324, ClinGen allele CA9958119.

ClinVar aggregate classification (germline): Likely benign. Review status: criteria provided, multiple submitters, no conflicts (2 of 4 stars). 3 submissions from 3 submitters: Likely benign (3). Last evaluated 2025-09-14.

Conditions:
Early-infantile DEE. Also called: Early infantile epileptic encephalopathy; Ohtahara syndrome; Early infantile epileptic encephalopathy with suppression bursts. Identifiers: Orphanet 1934, MedGen C0393706, MONDO:0800491.

Allele frequency attached by ClinVar (database versions not stated): gnomAD 0.00001; TOPMed 0.00002; ExAC 0.00011.
gnomAD v4.1: 30 of 1,517,514 alleles (0.002%); highest among the groups gnomAD compares: Admixed American, 0.004%; no homozygotes.

Submissions (3):

Labcorp Genetics (formerly Invitae), Labcorp
Classification: Likely benign for Early-infantile DEE. Last evaluated: 2025-09-14. Review status: criteria provided, single submitter. Criteria: Invitae Variant Classification Sherloc (09022015). Collection method: clinical testing. Allele origin: germline.

CeGaT Center for Human Genetics Tuebingen
Classification: Likely benign. Last evaluated: 2024-07-01. Review status: criteria provided, single submitter. Criteria: CeGaT Center For Human Genetics Tuebingen Variant Classification Criteria Version 2. Collection method: clinical testing. Allele origin: germline. Affected: yes. Observed: 1 variant allele.
Comment: KCNQ2: BP4, BP7

GeneDx
Classification: Likely benign. Last evaluated: 2015-11-18. Review status: criteria provided, single submitter. Criteria: GeneDx Variant Classification (06012015). Collection method: clinical testing. Allele origin: germline. Affected: yes.
Comment: This variant is considered likely benign or benign based on one or more of the following criteria: it is a conservative change, it occurs at a poorly conserved position in the protein, it is predicted to be benign by multiple in silico algorithms, and/or has population frequency not consistent with disease.